The following is an entry in ClinVar:

ClinVar aggregate classification (germline): Pathogenic (1 of 4 stars; one submission).

Conditions:
Primary ciliary dyskinesia. Also called: Ciliary dyskinesia. Identifiers: Orphanet 244, MedGen C0008780, MONDO:0016575, HP:0012265.

Submission:

Labcorp Genetics (formerly Invitae), Labcorp
Classification: Pathogenic for Primary ciliary dyskinesia. Last evaluated: 2024-01-25. Review status: criteria provided, single submitter. Criteria: Invitae Variant Classification Sherloc (09022015). Collection method: clinical testing. Allele origin: germline.
Comment: This sequence change creates a premature translational stop signal (p.Arg1143Profs*37) in the DNAH5 gene. It is expected to result in an absent or disrupted protein product. Loss-of-function variants in DNAH5 are known to be pathogenic (PMID: 11788826, 16627867). This variant is not present in population databases (gnomAD no frequency). This variant has not been reported in the literature in individuals affected with DNAH5-related conditions. Algorithms developed to predict the effect of sequence changes on RNA splicing suggest that this variant may disrupt the consensus splice site. For these reasons, this variant has been classified as Pathogenic.

Literature cited by the submitters: PubMed 11788826; PubMed 16627867.

NM_001369.3(DNAH5):c.3428del (p.Arg1143fs)

Genes: DNAH5 (dynein axonemal heavy chain 5; minus strand), DNAH5-AS1 (DNAH5 antisense RNA 1; plus strand). Cytogenetic location: 5p15.2.
Variant type: Deletion.
Coding change: c.3428del on transcript NM_001369.3 (MANE Select); coding-DNA position 3428, one base deleted (G; older notation c.3428delG).
Protein change: p.Arg1143fs; shifts the reading frame from arginine 1143.
Molecular consequence: frameshift variant.
Genome position (GRCh38, 1-based): chr5:13,871,734, C deleted on the plus strand (G on the coding strand, the reverse complement: DNAH5 is on the minus strand). VCF-style (leftmost placement, unchanged base first): chr5-13871733-GC-G. GRCh37 (hg19) VCF-style: chr5-13871842-GC-G.
Other names: short protein forms R1143fs.
Identifiers: ClinVar variation 3633443 (VCV003633443.2).